The following is an entry in ClinVar:

ClinVar aggregate classification (germline): Uncertain significance (1 of 4 stars; one submission).

Submission:

Labcorp Genetics (formerly Invitae), Labcorp
Classification: Uncertain significance. Last evaluated: 2022-10-19. Review status: criteria provided, single submitter. Criteria: Invitae Variant Classification Sherloc (09022015). Collection method: clinical testing. Allele origin: germline.
Comment: This sequence change falls in intron 15 of the IMPG1 gene. It does not directly change the encoded amino acid sequence of the IMPG1 protein. It affects a nucleotide within the consensus splice site. This variant is not present in population databases (gnomAD no frequency). In summary, the available evidence is currently insufficient to determine the role of this variant in disease. Therefore, it has been classified as a Variant of Uncertain Significance. Variants that disrupt the consensus splice site are a relatively common cause of aberrant splicing (PMID: 17576681, 9536098). Algorithms developed to predict the effect of sequence changes on RNA splicing suggest that this variant may disrupt the consensus splice site. This variant has not been reported in the literature in individuals affected with IMPG1-related conditions.

Literature cited by the submitters: PubMed 17576681; PubMed 9536098.

NM_001563.4(IMPG1):c.2243+6T>G

Gene: IMPG1 (interphotoreceptor matrix proteoglycan 1; minus strand). Cytogenetic location: 6q14.1.
Variant type: single nucleotide variant.
Coding change: c.2243+6T>G on transcript NM_001563.4 (MANE Select); 6 bases into the intron after coding-DNA position 2243, T replaced by G.
Molecular consequence: intron variant.
Genome position (GRCh38, 1-based): chr6:75,930,947, A>C on the plus strand (T>G on the coding strand, the complement: IMPG1 is on the minus strand). VCF-style: chr6-75930947-A-C. GRCh37 (hg19) VCF-style: chr6-76640664-A-C.
Other names: c.2009+6T>G (NM_001282368.2).
Identifiers: ClinVar variation 2026598 (VCV002026598.4), dbSNP rs2535869343, ClinGen allele CA2580075863.
Genomic context (GRCh38, chr6:75,930,947, plus strand): 5'-TGATGGGTTTCTCAGAAGTGTAAGTAATGAGTTCTTGAGTCTGTGACGTTAGCATGCTTG[A>C]CCCACCTGCATGGAGCTCCCTTTCCCTGGAGGACCTCGCATTCCTTTGTGCCAGGGCCAC-3'